The following is an entry in ClinVar:

GRCh38/hg38 17p12(chr17:14197921-15552296)x1

Genes: CDRT15 (CMT1A duplicated region transcript 15; minus strand), CDRT3 (CMT1A duplicated region transcript 3; minus strand), CDRT4 (CMT1A duplicated region transcript 4; minus strand), CDRT7 (CMT1A duplicated region transcript 7; plus strand), CDRT8 (CMT1A duplicated region transcript 8; minus strand) and 21 more. Cytogenetic location: 17p12.
Variant type: copy number loss.
Change: copy number 1 (one copy instead of two) of chr17:14,197,921-15,552,296 (1.35 Mb, GRCh38 coordinates, 1-based), cytogenetic band 17p12.
Identifiers: ClinVar variation 4852032 (VCV004852032.1).

ClinVar aggregate classification (germline): Pathogenic (1 of 4 stars; one submission).

Submission:

Clinical Genomics Laboratory, Laboratory for Precision Diagnostics, University of Washington
Classification: Pathogenic. Last evaluated: 2022-05-06. Review status: criteria provided, single submitter. Criteria: ACMG/ClinGen CNV Guidelines, 2019. Collection method: clinical testing. Allele origin: unknown. Affected: yes. Observed: 1 variant allele.
Comment: This deletion is approximately 1.35 Mb in size and encompasses 8 protein-coding genes, including the entirety of PMP22 (OMIM 601097). This is the recurrent microdeletion of 17p12 that causes hereditary neuropathy with liability to pressure palsies (HNPP).